The following is an entry in ClinVar:

NM_000179.3(MSH6):c.3422C>A (p.Ser1141Tyr)

Gene: MSH6 (mutS homolog 6; plus strand). Cytogenetic location: 2p16.3.
Variant type: single nucleotide variant.
Coding change: c.3422C>A on transcript NM_000179.3 (MANE Select); coding-DNA position 3422, C replaced by A.
Protein change: p.Ser1141Tyr; replaces serine 1141 with tyrosine.
Molecular consequence: missense variant. On other transcripts: non-coding transcript variant (5).
Genome position (GRCh38, 1-based): chr2:47,803,669, C>A. VCF-style: chr2-47803669-C-A. GRCh37 (hg19) VCF-style: chr2-48030808-C-A.
Other names: c.3032C>A, p.Ser1011Tyr (NM_001281492.2); c.2516C>A, p.Ser839Tyr (NM_001281493.2, NM_001281494.2, NM_001406811.1 and 6 more transcripts); c.3518C>A, p.Ser1173Tyr (NM_001406795.1, NM_001406802.1); c.3422C>A, p.Ser1141Tyr (NM_001406796.1, NM_001406800.1, NM_001406808.1 and 1 more transcripts); c.3125C>A, p.Ser1042Tyr (NM_001406797.1, NM_001406801.1, NM_001406805.1 and 10 more transcripts); c.3248C>A, p.Ser1083Tyr (NM_001406798.1); c.2897C>A, p.Ser966Tyr (NM_001406799.1, NM_001406806.1, NM_001406807.1); c.2558C>A, p.Ser853Tyr (NM_001406803.1); and 7 more; short protein forms S1011Y, S1115Y, S1083Y, S68Y, S90Y, S1042Y, S1141Y, S619Y.
Identifiers: ClinVar variation 2453200 (VCV002453200.2), dbSNP rs1669773070, ClinGen allele CA346758932.

ClinVar aggregate classification (germline): Uncertain significance (1 of 4 stars; one submission).

Conditions:
Hereditary cancer-predisposing syndrome. Also called: Neoplastic Syndromes, Hereditary; Tumor predisposition; Hereditary neoplastic syndrome; Hereditary Cancer Syndrome. Identifiers: Orphanet 140162, MedGen C0027672, MeSH D009386, MONDO:0015356.

Submission:

Ambry Genetics
Classification: Uncertain significance for Hereditary cancer-predisposing syndrome. Last evaluated: 2023-01-17. Review status: criteria provided, single submitter. Criteria: Ambry Variant Classification Scheme 2023. Collection method: clinical testing. Allele origin: germline.
Comment: The p.S1141Y variant (also known as c.3422C>A), located in coding exon 5 of the MSH6 gene, results from a C to A substitution at nucleotide position 3422. The serine at codon 1141 is replaced by tyrosine, an amino acid with dissimilar properties. This amino acid position is conserved. In addition, this alteration is predicted to be deleterious by in silico analysis. Since supporting evidence is limited at this time, the clinical significance of this alteration remains unclear.